The following is an entry in ClinVar:

ClinVar aggregate classification (germline): Pathogenic (1 of 4 stars; one submission).

Conditions:
Retinitis pigmentosa 25 (RP25). Identifiers: Orphanet 791, MedGen C1864446, MONDO:0011272, OMIM 602772.

Submission:

Myriad Genetics, Inc.
Classification: Pathogenic for Retinitis pigmentosa 25. Last evaluated: 2026-06-23. Review status: criteria provided, single submitter. Criteria: Myriad Autosomal Dominant, Autosomal Recessive and X-Linked Classification Criteria (2023). Collection method: clinical testing. Allele origin: unknown.
Comment: NM_001142800.1(EYS):c.4485dupT(P1496Sfs*3) is a frameshift variant classified as pathogenic in the context of retinitis pigmentosa, EYS-related. P1496Sfs*3 has not been observed in cases with relevant disease. Relevant functional assessments of this variant are not available in the literature. P1496Sfs*3 has not been observed in referenced population frequency databases. In summary, NM_001142800.1(EYS):c.4485dupT(P1496Sfs*3) is a frameshift variant in a gene where loss of function is a known mechanism of disease and is predicted to disrupt protein function. Please note: this variant was assessed in the context of healthy population screening.

NM_001142800.2(EYS):c.4485dup (p.Pro1496fs)

Gene: EYS (EGF-like photoreceptor maintenance factor; minus strand). Cytogenetic location: 6q12.
Variant type: Duplication.
Coding change: c.4485dup on transcript NM_001142800.2 (MANE Select); coding-DNA position 4485, one base duplicated (T; older notation c.4485dupT).
Protein change: p.Pro1496fs; shifts the reading frame from proline 1496.
Molecular consequence: frameshift variant.
Genome position (GRCh38, 1-based): chr6:64,591,382, A duplicated on the plus strand (T on the coding strand, the reverse complement: EYS is on the minus strand); the first of 5 consecutive A bases (chr6:64,591,382-64,591,386); duplicating any one gives the same sequence. VCF-style (leftmost placement, unchanged base first): chr6-64591381-G-GA. GRCh37 (hg19) VCF-style: chr6-65301274-G-GA.
Other names: c.4485dup, p.Pro1496fs (NM_001292009.2); short protein forms P1496fs.
Identifiers: ClinVar variation 5003880 (VCV005003880.1).